The following is an entry in ClinVar:

NM_000057.4(BLM):c.895G>A (p.Asp299Asn)

Gene: BLM (BLM RecQ like helicase; plus strand). Cytogenetic location: 15q26.1.
Variant type: single nucleotide variant.
Coding change: c.895G>A on transcript NM_000057.4 (MANE Select); coding-DNA position 895, G replaced by A.
Protein change: p.Asp299Asn; replaces aspartic acid 299 with asparagine.
Molecular consequence: missense variant. On other transcripts: 5 prime UTR variant (1).
Genome position (GRCh38, 1-based): chr15:90,751,882, G>A. VCF-style: chr15-90751882-G-A. GRCh37 (hg19) VCF-style: chr15-91295112-G-A.
Other names: c.895G>A, p.Asp299Asn (NM_001287246.2, NM_001287247.2); c.-397G>A (NM_001287248.2); short protein forms D299N.
Identifiers: ClinVar variation 1765253 (VCV001765253.6), dbSNP rs1243827792, ClinGen allele CA393841828.
Genomic context (GRCh38, chr15:90,751,882, plus strand): 5'-GAATTACATTCAACTGAGAAAGTTCCATGTATTGAATTTGATGATGATGATTATGATACG[G>A]ATTTTGTTCCACCTTCTCCAGAAGAAATTATTTCTGCTTCTTCTTCCTCTTCAAAATGCC-3'
Protein context (NP_000048.1, residues 289-309): IEFDDDDYDT[Asp299Asn]FVPPSPEEII

ClinVar aggregate classification (germline): Uncertain significance. Review status: criteria provided, multiple submitters, no conflicts (2 of 4 stars). 2 submissions from 2 submitters: Uncertain significance (2). Last evaluated 2025-01-08.

Conditions:
Hereditary cancer-predisposing syndrome. Also called: Neoplastic Syndromes, Hereditary; Tumor predisposition; Hereditary Cancer Syndrome; Hereditary neoplastic syndrome. Identifiers: Orphanet 140162, MedGen C0027672, MeSH D009386, MONDO:0015356.
Bloom syndrome (BLM). Also called: Bloom-Torre-Machacek syndrome. Identifiers: Orphanet 125, MedGen C0005859, MONDO:0008876, OMIM 210900.

Allele frequency attached by ClinVar (database versions not stated): gnomAD exomes below 0.00001; TOPMed 0.00001.

Submissions (2):

Labcorp Genetics (formerly Invitae), Labcorp
Classification: Uncertain significance for Bloom syndrome. Last evaluated: 2025-01-08. Review status: criteria provided, single submitter. Criteria: Invitae Variant Classification Sherloc (09022015). Collection method: clinical testing. Allele origin: germline.
Comment: This sequence change replaces aspartic acid, which is acidic and polar, with asparagine, which is neutral and polar, at codon 299 of the BLM protein (p.Asp299Asn). This variant is present in population databases (no rsID available, gnomAD 0.003%). This variant has not been reported in the literature in individuals affected with BLM-related conditions. ClinVar contains an entry for this variant (Variation ID: 1765253). Invitae Evidence Modeling of protein sequence and biophysical properties (such as structural, functional, and spatial information, amino acid conservation, physicochemical variation, residue mobility, and thermodynamic stability) indicates that this missense variant is not expected to disrupt BLM protein function with a negative predictive value of 80%. In summary, the available evidence is currently insufficient to determine the role of this variant in disease. Therefore, it has been classified as a Variant of Uncertain Significance.

Ambry Genetics
Classification: Uncertain significance for Hereditary cancer-predisposing syndrome. Last evaluated: 2022-04-19. Review status: criteria provided, single submitter. Criteria: Ambry Variant Classification Scheme 2023. Collection method: clinical testing. Allele origin: germline.
Comment: The p.D299N variant (also known as c.895G>A), located in coding exon 3 of the BLM gene, results from a G to A substitution at nucleotide position 895. The aspartic acid at codon 299 is replaced by asparagine, an amino acid with highly similar properties. This amino acid position is conserved. In addition, this alteration is predicted to be tolerated by in silico analysis. Since supporting evidence is limited at this time, the clinical significance of this alteration remains unclear.